The following is an entry in ClinVar:

ClinVar aggregate classification (germline): Benign/Likely benign. Review status: criteria provided, multiple submitters, no conflicts (2 of 4 stars). 4 submissions from 4 submitters: Benign (1); Likely benign (2). 1 of the submissions does not count toward it. Last evaluated 2025-06-04.

Conditions:
EP300-related disorder. Also called: EP300-related disorders; EP300-related condition.
Rubinstein-Taybi syndrome due to EP300 haploinsufficiency. Also called: RUBINSTEIN-TAYBI SYNDROME 2; EP300-Related Rubinstein-Taybi Syndrome. Identifiers: Orphanet 353284, Orphanet 783, MedGen C3150941, MONDO:0013364, OMIM 613684.

Allele frequency attached by ClinVar (database versions not stated): gnomAD 0.00001; ExAC 0.00003; TOPMed 0.00003; gnomAD exomes 0.00005 and 0.00006; ESP Exome Variant Server 0.00008.
gnomAD v4.1: 87 of 1,614,114 alleles (0.0054%); highest among the groups gnomAD compares: Non-Finnish European, 0.0073%; no homozygotes.

Submissions (4):

Labcorp Genetics (formerly Invitae), Labcorp
Classification: Benign for Rubinstein-Taybi syndrome due to EP300 haploinsufficiency. Last evaluated: 2025-06-04. Review status: criteria provided, single submitter. Criteria: Invitae Variant Classification Sherloc (09022015). Collection method: clinical testing. Allele origin: germline.

PreventionGenetics, part of Exact Sciences
Classification: Likely benign for EP300-related condition. Last evaluated: 2025-05-23. Review status: criteria provided, single submitter. Criteria: ACMG Guidelines, 2015. Collection method: clinical testing. Allele origin: germline.
Comment: This variant is classified as likely benign based on ACMG/AMP sequence variant interpretation guidelines (Richards et al. 2015 PMID: 25741868, with internal and published modifications).

CeGaT Center for Human Genetics Tuebingen
Classification: Likely benign. Last evaluated: 2025-03-01. Review status: criteria provided, single submitter. Criteria: CeGaT Center For Human Genetics Tuebingen Variant Classification Criteria Version 2. Collection method: clinical testing. Allele origin: germline. Affected: yes. Observed: 1 variant allele.
Comment: EP300: BS2

ITMI
No classification provided. Condition: AllHighlyPenetrant. Last evaluated: 2013-09-19. Review status: no classification provided. Collection method: reference population. Allele origin: germline. Not counted in ClinVar's aggregate classification.
Comment: Please see associated publication for description of ethnicities

Literature cited by the submitters: PubMed 24728327 (cited by ITMI).

NM_001429.4(EP300):c.1150T>G (p.Ser384Ala)

Gene: EP300 (EP300 lysine acetyltransferase; plus strand). Cytogenetic location: 22q13.2.
Variant type: single nucleotide variant.
Coding change: c.1150T>G on transcript NM_001429.4 (MANE Select); coding-DNA position 1150, T replaced by G.
Protein change: p.Ser384Ala; replaces serine 384 with alanine.
Molecular consequence: missense variant.
Genome position (GRCh38, 1-based): chr22:41,127,730, T>G. VCF-style: chr22-41127730-T-G. GRCh37 (hg19) VCF-style: chr22-41523734-T-G.
Other names: c.1150T>G (NM_001429.3); c.1150T>G, p.Ser384Ala (NM_001362843.2); short protein forms S384A.
Identifiers: ClinVar variation 134063 (VCV000134063.16), dbSNP rs377368037, ClinGen allele CA158536.